The following is an entry in ClinVar:

NM_205836.3(FBXO38):c.1307G>A (p.Arg436Gln)

Gene: FBXO38 (F-box protein 38; plus strand). Cytogenetic location: 5q32.
Variant type: single nucleotide variant.
Coding change: c.1307G>A on transcript NM_205836.3 (MANE Select); coding-DNA position 1307, G replaced by A.
Protein change: p.Arg436Gln; replaces arginine 436 with glutamine.
Molecular consequence: missense variant.
Genome position (GRCh38, 1-based): chr5:148,415,970, G>A. VCF-style: chr5-148415970-G-A. GRCh37 (hg19) VCF-style: chr5-147795533-G-A.
Other names: c.1307G>A, p.Arg436Gln (NM_001271723.2, NM_030793.5); short protein forms R436Q.
Identifiers: ClinVar variation 2915602 (VCV002915602.3), dbSNP rs777638200, ClinGen allele CA3497254.

ClinVar aggregate classification (germline): Uncertain significance (1 of 4 stars; one submission).

Conditions:
Distal hereditary motor neuropathy type 2. Identifiers: Orphanet 139525, MedGen C3711384, MeSH C580044, MONDO:0015352.

Allele frequency attached by ClinVar (database versions not stated): gnomAD 0.00001; gnomAD exomes 0.00001; TOPMed 0.00001; ExAC 0.00002.
gnomAD v4.1: 18 of 1,613,158 alleles (0.0011%); highest among the groups gnomAD compares: East Asian, 0.0022%; no homozygotes.

Submission:

Labcorp Genetics (formerly Invitae), Labcorp
Classification: Uncertain significance for Distal hereditary motor neuropathy type 2. Last evaluated: 2023-05-10. Review status: criteria provided, single submitter. Criteria: Invitae Variant Classification Sherloc (09022015). Collection method: clinical testing. Allele origin: germline.
Comment: In summary, the available evidence is currently insufficient to determine the role of this variant in disease. Therefore, it has been classified as a Variant of Uncertain Significance. Advanced modeling of protein sequence and biophysical properties (such as structural, functional, and spatial information, amino acid conservation, physicochemical variation, residue mobility, and thermodynamic stability) performed at Invitae indicates that this missense variant is not expected to disrupt FBXO38 protein function. This variant has not been reported in the literature in individuals affected with FBXO38-related conditions. This variant is present in population databases (rs777638200, gnomAD 0.005%). This sequence change replaces arginine, which is basic and polar, with glutamine, which is neutral and polar, at codon 436 of the FBXO38 protein (p.Arg436Gln).